The following is an entry in ClinVar:

NM_001369268.1(ACAN):c.914G>A (p.Arg305His)

Gene: ACAN (aggrecan; plus strand). Cytogenetic location: 15q26.1.
Variant type: single nucleotide variant.
Coding change: c.914G>A on transcript NM_001369268.1 (MANE Select); coding-DNA position 914, G replaced by A.
Protein change: p.Arg305His; replaces arginine 305 with histidine.
Molecular consequence: missense variant.
Genome position (GRCh38, 1-based): chr15:88,843,511, G>A. VCF-style: chr15-88843511-G-A. GRCh37 (hg19) VCF-style: chr15-89386742-G-A.
Other names: c.914G>A, p.Arg305His (NM_001135.4, NM_001411096.1, NM_001411097.1 and 1 more transcripts); c.914G>A (NM_013227.3); short protein forms R305H.
Identifiers: ClinVar variation 2965204 (VCV002965204.4), dbSNP rs768504322, ClinGen allele CA7719401.

ClinVar aggregate classification (germline): Uncertain significance. Review status: criteria provided, multiple submitters, no conflicts (2 of 4 stars). 2 submissions from 2 submitters: Uncertain significance (2). Last evaluated 2024-12-23.

Conditions:
Inborn genetic diseases. Identifiers: MedGen C0950123, MeSH D030342.

Allele frequency attached by ClinVar (database versions not stated): ExAC 0.00003.
gnomAD v4.1: 45 of 1,612,286 alleles (0.0028%); highest among the groups gnomAD compares: East Asian, 0.025%; no homozygotes.

Submissions (2):

Ambry Genetics
Classification: Uncertain significance for Inborn genetic diseases. Last evaluated: 2024-12-23. Review status: criteria provided, single submitter. Criteria: Ambry Variant Classification Scheme 2023. Collection method: clinical testing. Allele origin: germline.

Labcorp Genetics (formerly Invitae), Labcorp
Classification: Uncertain significance. Last evaluated: 2024-12-04. Review status: criteria provided, single submitter. Criteria: Invitae Variant Classification Sherloc (09022015). Collection method: clinical testing. Allele origin: germline.
Comment: This sequence change replaces arginine, which is basic and polar, with histidine, which is basic and polar, at codon 305 of the ACAN protein (p.Arg305His). This variant is present in population databases (rs768504322, gnomAD 0.007%). This variant has not been reported in the literature in individuals affected with ACAN-related conditions. ClinVar contains an entry for this variant (Variation ID: 2965204). Invitae Evidence Modeling of protein sequence and biophysical properties (such as structural, functional, and spatial information, amino acid conservation, physicochemical variation, residue mobility, and thermodynamic stability) indicates that this missense variant is not expected to disrupt ACAN protein function with a negative predictive value of 80%. In summary, the available evidence is currently insufficient to determine the role of this variant in disease. Therefore, it has been classified as a Variant of Uncertain Significance.